The following is an entry in ClinVar:

NM_001197104.2(KMT2A):c.188CGG[4] (p.Ala67del)

Gene: KMT2A (lysine methyltransferase 2A; plus strand). Cytogenetic location: 11q23.3.
Variant type: Microsatellite.
Coding change: c.188CGG[4] on transcript NM_001197104.2 (MANE Select); four copies in a row of the 3-base unit CGG starting at c.188; the reference has five copies in a row; one copy, 3 bases deleted; also written c.200_202del.
Protein change: p.Ala67del; deletes alanine 67.
Molecular consequence: inframe deletion.
Genome position (GRCh38, 1-based): chr11:118,436,712-118,436,714, CGG deleted; deleting any 3 consecutive bases within chr11:118,436,699-118,436,714 gives the same sequence; the position shown is the placement nearest the transcript's 3' end. VCF-style (leftmost placement, unchanged base first): chr11-118436698-CGCG-C. GRCh37 (hg19) VCF-style: chr11-118307413-CGCG-C.
Other names: c.188CGG[4], p.Ala67del (NM_005933.4); c.200_202del (NM_001197104.2); short protein forms A67del.
Identifiers: ClinVar variation 1019110 (VCV001019110.36), dbSNP rs781936420, ClinGen allele CA6303196.
Genomic context (GRCh38, chr11:118,436,698, plus strand): 5'-CGGGCCCCCGGTCGGCGGTGGCGGCCCCGGGGCGCCCCCCTCCCCCCCGGCTGTGGCGGC[CGCG>C]GCGGCGGCGGCGGGAAGCAGCGGGGCTGGGGTTCCAGGGGGAGCGGCCGCCGCCTCAGCA-3'

ClinVar aggregate classification (germline): Benign/Likely benign. Review status: criteria provided, multiple submitters, no conflicts (2 of 4 stars). 4 submissions from 4 submitters: Benign (1); Likely benign (3). Last evaluated 2026-02-01.

Conditions:
Wiedemann-Steiner syndrome (WDSTS). Also called: Growth deficiency and mental retardation with facial dysmorphism. Identifiers: Orphanet 319182, MedGen C1854630, MONDO:0011518, OMIM 605130.

Submissions (4):

Labcorp Genetics (formerly Invitae), Labcorp
Classification: Likely benign. Last evaluated: 2026-02-01. Review status: criteria provided, single submitter. Criteria: Invitae Variant Classification Sherloc (09022015). Collection method: clinical testing. Allele origin: germline.

CeGaT Center for Human Genetics Tuebingen
Classification: Benign. Last evaluated: 2025-06-01. Review status: criteria provided, single submitter. Criteria: CeGaT Center For Human Genetics Tuebingen Variant Classification Criteria Version 2. Collection method: clinical testing. Allele origin: germline. Affected: yes. Observed: 11 variant alleles.
Comment: KMT2A: BS1, BS2

Fulgent Genetics
Classification: Likely benign for Wiedemann-Steiner syndrome. Last evaluated: 2022-01-18. Review status: criteria provided, single submitter. Criteria: ACMG Guidelines, 2015. Collection method: clinical testing. Allele origin: unknown.

GeneDx
Classification: Likely benign. Last evaluated: 2019-08-18. Review status: criteria provided, single submitter. Criteria: GeneDx Variant Classification Process June 2021. Collection method: clinical testing. Allele origin: germline. Affected: yes.